The following is an entry in ClinVar:

NM_001844.5(COL2A1):c.4326C>T (p.Thr1442=)

Gene: COL2A1 (collagen type II alpha 1 chain; minus strand). Cytogenetic location: 12q13.11.
Variant type: single nucleotide variant.
Coding change: c.4326C>T on transcript NM_001844.5 (MANE Select); coding-DNA position 4326, C replaced by T.
Protein change: p.Thr1442=; no amino-acid change (threonine 1442 retained).
Molecular consequence: synonymous variant.
Genome position (GRCh38, 1-based): chr12:47,973,545, G>A on the plus strand (C>T on the coding strand, the complement: COL2A1 is on the minus strand). VCF-style: chr12-47973545-G-A. GRCh37 (hg19) VCF-style: chr12-48367328-G-A.
Other names: c.4119C>T, p.Thr1373= (NM_033150.3).
Identifiers: ClinVar variation 507351 (VCV000507351.62), dbSNP rs201223454, ClinGen allele CA6534479.

ClinVar aggregate classification (germline): Conflicting classifications of pathogenicity. Review status: criteria provided, conflicting classifications (1 of 4 stars). 6 submissions from 6 submitters: Uncertain significance (1); Likely benign (4). 1 of the submissions does not count toward it. Last evaluated 2025-11-16.

Conditions:
COL2A1-related disorder. Also called: COL2A1-related condition; COL2A1-related disorders.

Allele frequency attached by ClinVar (database versions not stated): gnomAD 0.00001 and 0.00002; gnomAD exomes 0.00004 and 0.00007; TOPMed 0.00005; ExAC 0.00007.
gnomAD v4.1: 57 of 1,613,912 alleles (0.0035%); highest among the groups gnomAD compares: South Asian, 0.038%; 1 homozygote.

Submissions (6):

Labcorp Genetics (formerly Invitae), Labcorp
Classification: Likely benign. Last evaluated: 2025-11-16. Review status: criteria provided, single submitter. Criteria: Invitae Variant Classification Sherloc (09022015). Collection method: clinical testing. Allele origin: germline.

Blueprint Genetics
Classification: Likely benign. Last evaluated: 2023-12-13. Review status: criteria provided, single submitter. Criteria: ACMG Guidelines, 2015. Collection method: clinical testing. Allele origin: germline.

GeneDx
Classification: Likely benign. Last evaluated: 2020-07-13. Review status: criteria provided, single submitter. Criteria: GeneDx Variant Classification Process June 2021. Collection method: clinical testing. Allele origin: germline. Affected: yes.

ARUP Laboratories, Molecular Genetics and Genomics, ARUP Laboratories
Classification: Likely benign. Last evaluated: 2020-06-01. Review status: criteria provided, single submitter. Criteria: ARUP Molecular Germline Variant Investigation Process. Collection method: clinical testing. Allele origin: germline.

Eurofins Ntd Llc (ga)
Classification: Uncertain significance. Last evaluated: 2017-11-10. Review status: criteria provided, single submitter. Criteria: EGL Classification Definitions 2015. Collection method: clinical testing. Allele origin: germline. Observed: 1 variant allele, 1 heterozygote.

PreventionGenetics, part of Exact Sciences
Classification: Likely benign for COL2A1-related condition. Last evaluated: 2019-10-16. Review status: no assertion criteria provided. Collection method: clinical testing. Allele origin: germline. Not counted in ClinVar's aggregate classification.
Comment: This variant is classified as likely benign based on ACMG/AMP sequence variant interpretation guidelines (Richards et al. 2015 PMID: 25741868, with internal and published modifications).